The following is an entry in ClinVar:

ClinVar aggregate classification (germline): Likely pathogenic (1 of 4 stars; one submission).

Conditions:
Neurodevelopmental disorder with or without autism or seizures (NEDAUS). Identifiers: MedGen C5543225, MONDO:0030994, OMIM 619239.

Submission:

3billion
Classification: Likely pathogenic for Neurodevelopmental disorder with or without autism or seizures. Last evaluated: 2024-07-03. Review status: criteria provided, single submitter. Criteria: ACMG Guidelines, 2015. Collection method: clinical testing. Allele origin: germline. Affected: yes.
Comment: The variant is not observed in the gnomAD v4.0.0 dataset. Predicted Consequence/Location: Canonical splice site: predicted to alter splicing and result in a loss or disruption of normal protein function. Multiple pathogenic loss-of-function variants are reported downstream of the variant. In silico tools predict the variant to alter splicing and produce an abnormal transcript [SpliceAI: 1.00 (spliceogenicity >=0.2, non-spliceogenicity <0.1)]. Therefore, this variant is classified as Likely pathogenic according to the recommendation of ACMG/AMP guideline.

NM_003590.5(CUL3):c.1485+1G>C

Gene: CUL3 (cullin 3; minus strand). Cytogenetic location: 2q36.2.
Variant type: single nucleotide variant.
Coding change: c.1485+1G>C on transcript NM_003590.5 (MANE Select); the canonical splice donor site of the intron after coding-DNA position 1485, G replaced by C.
Molecular consequence: splice donor variant.
Genome position (GRCh38, 1-based): chr2:224,502,964, C>G on the plus strand (G>C on the coding strand, the complement: CUL3 is on the minus strand). VCF-style: chr2-224502964-C-G. GRCh37 (hg19) VCF-style: chr2-225367681-C-G.
Other names: c.1287+1G>C (NM_001257197.2); c.1503+1G>C (NM_001257198.2).
Identifiers: ClinVar variation 4293790 (VCV004293790.1).